The following is an entry in ClinVar:

NM_000316.3(PTH1R):c.1121A>G (p.Asn374Ser)

Gene: PTH1R (parathyroid hormone 1 receptor; plus strand). Cytogenetic location: 3p21.31.
Variant type: single nucleotide variant.
Coding change: c.1121A>G on transcript NM_000316.3 (MANE Select); coding-DNA position 1121, A replaced by G.
Protein change: p.Asn374Ser; replaces asparagine 374 with serine.
Molecular consequence: missense variant.
Genome position (GRCh38, 1-based): chr3:46,901,770, A>G. VCF-style: chr3-46901770-A-G. GRCh37 (hg19) VCF-style: chr3-46943260-A-G.
Other names: c.1121A>G, p.Asn374Ser (NM_001184744.1); short protein forms N374S.
Identifiers: ClinVar variation 3220843 (VCV003220843.3), dbSNP rs2032139174, ClinGen allele CA352502433.

ClinVar aggregate classification (germline): Uncertain significance. Review status: criteria provided, multiple submitters, no conflicts (2 of 4 stars). 2 submissions from 2 submitters: Uncertain significance (2). Last evaluated 2024-07-19.

Conditions:
Inborn genetic diseases. Identifiers: MedGen C0950123, MeSH D030342.

Allele frequency attached by ClinVar (database versions not stated): gnomAD exomes below 0.00001; TOPMed below 0.00001.
gnomAD v4.1: 1 of 1,613,632 alleles (0.000062%); highest among the groups gnomAD compares: East Asian, 0.0022%; no homozygotes.

Submissions (2):

Labcorp Genetics (formerly Invitae), Labcorp
Classification: Uncertain significance. Last evaluated: 2024-07-19. Review status: criteria provided, single submitter. Criteria: Invitae Variant Classification Sherloc (09022015). Collection method: clinical testing. Allele origin: germline.
Comment: This sequence change replaces asparagine, which is neutral and polar, with serine, which is neutral and polar, at codon 374 of the PTH1R protein (p.Asn374Ser). This variant is not present in population databases (gnomAD no frequency). This variant has not been reported in the literature in individuals affected with PTH1R-related conditions. Advanced modeling of protein sequence and biophysical properties (such as structural, functional, and spatial information, amino acid conservation, physicochemical variation, residue mobility, and thermodynamic stability) performed at Invitae indicates that this missense variant is expected to disrupt PTH1R protein function with a positive predictive value of 80%. In summary, the available evidence is currently insufficient to determine the role of this variant in disease. Therefore, it has been classified as a Variant of Uncertain Significance.

Ambry Genetics
Classification: Uncertain significance for Inborn genetic diseases. Last evaluated: 2023-12-28. Review status: criteria provided, single submitter. Criteria: Ambry Variant Classification Scheme 2023. Collection method: clinical testing. Allele origin: germline.